The following is an entry in ClinVar:

NM_015102.5(NPHP4):c.3982C>T (p.Pro1328Ser)

Gene: NPHP4 (nephrocystin 4; minus strand). Cytogenetic location: 1p36.31.
Variant type: single nucleotide variant.
Coding change: c.3982C>T on transcript NM_015102.5 (MANE Select); coding-DNA position 3982, C replaced by T.
Protein change: p.Pro1328Ser; replaces proline 1328 with serine.
Molecular consequence: missense variant. On other transcripts: non-coding transcript variant (1).
Genome position (GRCh38, 1-based): chr1:5,864,352, G>A on the plus strand (C>T on the coding strand, the complement: NPHP4 is on the minus strand). VCF-style: chr1-5864352-G-A. GRCh37 (hg19) VCF-style: chr1-5924412-G-A.
Other names: c.2443C>T, p.Pro815Ser (NM_001291593.2); c.2446C>T, p.Pro816Ser (NM_001291594.2); short protein forms P1328S, P815S, P816S.
Identifiers: ClinVar variation 960868 (VCV000960868.11), dbSNP rs756207507, ClinGen allele CA553404.

ClinVar aggregate classification (germline): Uncertain significance. Review status: criteria provided, multiple submitters, no conflicts (2 of 4 stars). 3 submissions from 3 submitters: Uncertain significance (3). Last evaluated 2023-12-28.

Conditions:
Nephronophthisis. Also called: Juvenile Nephronophthisis. Identifiers: Orphanet 655, MedGen C0687120, MONDO:0019005, HP:0000090.
Nephronophthisis 4 (NPHP4). Also called: NEPHRONOPHTHISIS 4, JUVENILE. Identifiers: Orphanet 655, MedGen C1847013, MONDO:0011752, OMIM 606966.
Senior-Loken syndrome 4 (SLSN4). Identifiers: Orphanet 3156, MedGen C1846979, MONDO:0011756, OMIM 606996.

Allele frequency attached by ClinVar (database versions not stated): gnomAD 0.00001; gnomAD exomes 0.00002; ExAC 0.00005.

Submissions (3):

Fulgent Genetics
Classification: Uncertain significance for Nephronophthisis 4; Senior-Loken syndrome 4. Last evaluated: 2023-12-28. Review status: criteria provided, single submitter. Criteria: ACMG Guidelines, 2015. Collection method: clinical testing. Allele origin: germline.

Blueprint Genetics
Classification: Uncertain significance. Last evaluated: 2022-01-06. Review status: criteria provided, single submitter. Criteria: ACMG Guidelines, 2015. Collection method: clinical testing. Allele origin: germline.

Labcorp Genetics (formerly Invitae), Labcorp
Classification: Uncertain significance for Nephronophthisis. Last evaluated: 2019-07-07. Review status: criteria provided, single submitter. Criteria: Invitae Variant Classification Sherloc (09022015). Collection method: clinical testing. Allele origin: germline.
Comment: In summary, the available evidence is currently insufficient to determine the role of this variant in disease. Therefore, it has been classified as a Variant of Uncertain Significance. This sequence change replaces proline with serine at codon 1328 of the NPHP4 protein (p.Pro1328Ser). The proline residue is highly conserved and there is a moderate physicochemical difference between proline and serine. This variant is present in population databases (rs756207507, ExAC 0.009%). This variant has not been reported in the literature in individuals with NPHP4-related conditions. Algorithms developed to predict the effect of missense changes on protein structure and function (SIFT, PolyPhen-2, Align-GVGD) all suggest that this variant is likely to be disruptive, but these predictions have not been confirmed by published functional studies and their clinical significance is uncertain.